The following is an entry in ClinVar:

NM_001292063.2(OTOG):c.8252C>T (p.Ser2751Phe)

Gene: OTOG (otogelin; plus strand). Cytogenetic location: 11p15.1.
Variant type: single nucleotide variant.
Coding change: c.8252C>T on transcript NM_001292063.2 (MANE Select); coding-DNA position 8252, C replaced by T.
Protein change: p.Ser2751Phe; replaces serine 2751 with phenylalanine.
Molecular consequence: missense variant.
Genome position (GRCh38, 1-based): chr11:17,641,908, C>T. VCF-style: chr11-17641908-C-T. GRCh37 (hg19) VCF-style: chr11-17663455-C-T.
Other names: c.8288C>T, p.Ser2763Phe (NM_001277269.2); short protein forms S2751F, S2763F.
Identifiers: ClinVar variation 1518447 (VCV001518447.33), dbSNP rs201728749, ClinGen allele CA5906259.

ClinVar aggregate classification (germline): Uncertain significance. Review status: criteria provided, multiple submitters, no conflicts (2 of 4 stars). 3 submissions from 3 submitters: Uncertain significance (3). Last evaluated 2026-07-22.

Allele frequency attached by ClinVar (database versions not stated): ExAC 0.00006; gnomAD 0.00009; TOPMed 0.00009; gnomAD exomes 0.00013.
gnomAD v4.1: 131 of 1,550,198 alleles (0.0085%); highest among the groups gnomAD compares: Middle Eastern, 0.05%; no homozygotes.

Submissions (3):

GeneDx
Classification: Uncertain significance. Last evaluated: 2026-07-22. Review status: criteria provided, single submitter. Criteria: GeneDx Variant Classification Process June 2021. Collection method: clinical testing. Allele origin: germline.
Comment: In silico analysis supports that this missense variant has a deleterious effect on protein structure/function; Reported in the heterozygous state without a second variant in a patient with hearing loss in published literature (PMID: 37217689); This variant is associated with the following publications: (PMID: 37217689)

CeGaT Center for Human Genetics Tuebingen
Classification: Uncertain significance. Last evaluated: 2024-01-01. Review status: criteria provided, single submitter. Criteria: CeGaT Center For Human Genetics Tuebingen Variant Classification Criteria Version 2. Collection method: clinical testing. Allele origin: germline. Affected: yes. Observed: 1 variant allele.
Comment: OTOG: PM2

Labcorp Genetics (formerly Invitae), Labcorp
Classification: Uncertain significance. Last evaluated: 2021-01-08. Review status: criteria provided, single submitter. Criteria: Invitae Variant Classification Sherloc (09022015). Collection method: clinical testing. Allele origin: germline.
Comment: This sequence change replaces serine with phenylalanine at codon 2763 of the OTOG protein (p.Ser2763Phe). The serine residue is highly conserved and there is a large physicochemical difference between serine and phenylalanine. This variant is present in population databases (rs201728749, ExAC 0.02%). This variant has not been reported in the literature in individuals with OTOG-related conditions. Algorithms developed to predict the effect of missense changes on protein structure and function are either unavailable or do not agree on the potential impact of this missense change (SIFT: "Deleterious"; PolyPhen-2: "Probably Damaging"; Align-GVGD: "Class C0"). In summary, the available evidence is currently insufficient to determine the role of this variant in disease. Therefore, it has been classified as a Variant of Uncertain Significance.